The following is an entry in ClinVar:

ClinVar aggregate classification (germline): Uncertain significance (1 of 4 stars; one submission).

Allele frequency attached by ClinVar (database versions not stated): gnomAD exomes below 0.00001; gnomAD 0.00001; TOPMed 0.00001.
gnomAD v4.1: 6 of 1,613,748 alleles (0.00037%); highest among the groups gnomAD compares: African/African-American, 0.0013%; no homozygotes.

Submission:

Labcorp Genetics (formerly Invitae), Labcorp
Classification: Uncertain significance. Last evaluated: 2022-05-21. Review status: criteria provided, single submitter. Criteria: Invitae Variant Classification Sherloc (09022015). Collection method: clinical testing. Allele origin: germline.
Comment: This sequence change replaces arginine, which is basic and polar, with tryptophan, which is neutral and slightly polar, at codon 1046 of the DENND5A protein (p.Arg1046Trp). This variant is present in population databases (no rsID available, gnomAD 0.007%). This variant has not been reported in the literature in individuals affected with DENND5A-related conditions. Algorithms developed to predict the effect of missense changes on protein structure and function are either unavailable or do not agree on the potential impact of this missense change (SIFT: "Deleterious"; PolyPhen-2: "Probably Damaging"; Align-GVGD: "Class C0"). In summary, the available evidence is currently insufficient to determine the role of this variant in disease. Therefore, it has been classified as a Variant of Uncertain Significance.

NM_015213.4(DENND5A):c.3136C>T (p.Arg1046Trp)

Gene: DENND5A (DENN domain containing 5A; minus strand). Cytogenetic location: 11p15.4.
Variant type: single nucleotide variant.
Coding change: c.3136C>T on transcript NM_015213.4 (MANE Select); coding-DNA position 3136, C replaced by T.
Protein change: p.Arg1046Trp; replaces arginine 1046 with tryptophan.
Molecular consequence: missense variant. On other transcripts: non-coding transcript variant (1).
Genome position (GRCh38, 1-based): chr11:9,144,265, G>A on the plus strand (C>T on the coding strand, the complement: DENND5A is on the minus strand). VCF-style: chr11-9144265-G-A. GRCh37 (hg19) VCF-style: chr11-9165812-G-A.
Other names: c.3136C>T, p.Arg1046Trp (NM_001243254.2, NM_001348748.1); c.3064C>T, p.Arg1022Trp (NM_001348749.2); c.2848C>T, p.Arg950Trp (NM_001348750.2); short protein forms R1022W, R950W, R1046W.
Identifiers: ClinVar variation 2124274 (VCV002124274.4), dbSNP rs1564878992, ClinGen allele CA379601207.